The following is an entry in ClinVar:

NM_022489.4(INF2):c.2769C>T (p.Ala923=)

Gene: INF2 (inverted formin 2; plus strand). Cytogenetic location: 14q32.33.
Variant type: single nucleotide variant.
Coding change: c.2769C>T on transcript NM_022489.4 (MANE Select); coding-DNA position 2769, C replaced by T.
Protein change: p.Ala923=; no amino-acid change (alanine 923 retained).
Molecular consequence: synonymous variant.
Genome position (GRCh38, 1-based): chr14:104,712,986, C>T. VCF-style: chr14-104712986-C-T. GRCh37 (hg19) VCF-style: chr14-105179323-C-T.
Other names: c.2769C>T, p.Ala923= (NM_001031714.4).
Identifiers: ClinVar variation 1078890 (VCV001078890.32), dbSNP rs370426339, ClinGen allele CA7373063.

ClinVar aggregate classification (germline): Likely benign. Review status: criteria provided, multiple submitters, no conflicts (2 of 4 stars). 2 submissions from 2 submitters: Likely benign (2). Last evaluated 2026-02-01.

Conditions:
Charcot-Marie-Tooth disease dominant intermediate E. Also called: CHARCOT-MARIE-TOOTH NEUROPATHY WITH FOCAL SEGMENTAL GLOMERULONEPHRITIS. Identifiers: Orphanet 93114, MedGen C4302667, MONDO:0013758, OMIM 614455.
Focal segmental glomerulosclerosis 5 (FSGS5). Identifiers: Orphanet 656, MedGen C2750475, MONDO:0013191, OMIM 613237.

Allele frequency attached by ClinVar (database versions not stated): gnomAD 0.00001; ExAC 0.00002; gnomAD exomes 0.00002; TOPMed 0.00002; ESP Exome Variant Server 0.00008.
gnomAD v4.1: 66 of 1,612,320 alleles (0.0041%); highest among the groups gnomAD compares: Non-Finnish European, 0.0055%; no homozygotes.

Submissions (2):

CeGaT Center for Human Genetics Tuebingen
Classification: Likely benign. Last evaluated: 2026-02-01. Review status: criteria provided, single submitter. Criteria: CeGaT Center For Human Genetics Tuebingen Variant Classification Criteria Version 2. Collection method: clinical testing. Allele origin: germline. Affected: yes. Observed: 2 variant alleles.
Comment: INF2: BP4, BP7

Labcorp Genetics (formerly Invitae), Labcorp
Classification: Likely benign for Charcot-Marie-Tooth disease dominant intermediate E; Focal segmental glomerulosclerosis 5. Last evaluated: 2025-12-08. Review status: criteria provided, single submitter. Criteria: Invitae Variant Classification Sherloc (09022015). Collection method: clinical testing. Allele origin: germline.